The following is an entry in ClinVar:

ClinVar aggregate classification (germline): Benign. Review status: criteria provided, multiple submitters, no conflicts (2 of 4 stars). 3 submissions from 3 submitters: Benign (3). Last evaluated 2024-01-24.

Allele frequency attached by ClinVar (database versions not stated): gnomAD exomes 0.30253 and 0.32093; ESP Exome Variant Server 0.35257; ExAC 0.36065; gnomAD 0.36404 and 0.36685; TOPMed 0.38216; 1000 Genomes Project 0.41074; 1000 Genomes Project 30x 0.41693.
gnomAD v4.1: 475,477 of 1,535,870 alleles (31%); highest among the groups gnomAD compares: African/African-American, 52%; 76,084 homozygotes.

Submissions (3):

Unidad de Genómica Garrahan, Hospital de Pediatría Garrahan
Classification: Benign. Last evaluated: 2024-01-24. Review status: criteria provided, single submitter. Criteria: ACMG Guidelines, 2015. Collection method: clinical testing. Allele origin: germline. Affected: no. Observed: 53 variant alleles.
Comment: This variant is classified as Benign based on local population frequency. This variant was detected in 60% of patients studied by a panel of primary immunodeficiencies. Number of patients: 53. Only high quality variants are reported.

GeneDx
Classification: Benign. Last evaluated: 2018-06-23. Review status: criteria provided, single submitter. Criteria: GeneDx Variant Classification Process June 2021. Collection method: clinical testing. Allele origin: germline. Affected: yes.

Breakthrough Genomics
Classification: Benign. Review status: criteria provided, single submitter. Criteria: ACMG Guidelines, 2015. Collection method: not provided. Allele origin: germline. Inheritance: Autosomal recessive inheritance. Affected: yes.

NM_000215.4(JAK3):c.184+42G>A

Gene: JAK3 (Janus kinase 3; minus strand). Cytogenetic location: 19p13.11.
Variant type: single nucleotide variant.
Coding change: c.184+42G>A on transcript NM_000215.4 (MANE Select); 42 bases into the intron after coding-DNA position 184, G replaced by A.
Molecular consequence: intron variant.
Genome position (GRCh38, 1-based): chr19:17,844,192, C>T on the plus strand (G>A on the coding strand, the complement: JAK3 is on the minus strand). VCF-style: chr19-17844192-C-T. GRCh37 (hg19) VCF-style: chr19-17955001-C-T.
Identifiers: ClinVar variation 1291547 (VCV001291547.5), dbSNP rs3212713, ClinGen allele CA9302240.